The following is an entry in ClinVar:

ClinVar aggregate classification (germline): Benign/Likely benign. Review status: criteria provided, multiple submitters, no conflicts (2 of 4 stars). 3 submissions from 3 submitters: Benign (1); Likely benign (2). Last evaluated 2026-01-21.

Conditions:
Ataxia-telangiectasia syndrome (AT). Also called: Cerebello-oculocutaneous telangiectasia; Immunodeficiency with ataxia telangiectasia; Ataxia-telangiectasia, complementation group E; Ataxia telangiectasia (A-T); LOUIS-BAR SYNDROME; Ataxia-telangiectasia, complementation group D. Identifiers: Orphanet 100, MedGen C0004135, MONDO:0008840, OMIM 208900.
Familial cancer of breast. Also called: hereditary breast carcinoma; BREAST CANCER, FAMILIAL; Hereditary breast cancer. Identifiers: Orphanet 227535, MedGen C0346153, MONDO:0016419, OMIM 114480. Disease mechanism: loss of function.
Hereditary cancer-predisposing syndrome. Also called: Neoplastic Syndromes, Hereditary; Tumor predisposition; Hereditary Cancer Syndrome; Hereditary neoplastic syndrome. Identifiers: Orphanet 140162, MedGen C0027672, MeSH D009386, MONDO:0015356.

gnomAD v4.1: 3 of 1,613,834 alleles (0.00019%); highest among the groups gnomAD compares: Non-Finnish European, 0.00017%; no homozygotes.

Submissions (3):

Ambry Genetics
Classification: Likely benign for Hereditary cancer-predisposing syndrome. Last evaluated: 2026-01-21. Review status: criteria provided, single submitter. Criteria: Ambry Variant Classification Scheme 2023. Collection method: clinical testing. Allele origin: germline.

Myriad Genetics, Inc.
Classification: Benign for Familial cancer of breast. Last evaluated: 2024-04-30. Review status: criteria provided, single submitter. Criteria: Myriad Autosomal Dominant, Autosomal Recessive and X-Linked Classification Criteria (2023). Collection method: clinical testing. Allele origin: unknown.
Comment: This variant is considered benign. This variant is a silent/synonymous amino acid change and it is not expected to impact splicing.

Labcorp Genetics (formerly Invitae), Labcorp
Classification: Likely benign for Ataxia-telangiectasia syndrome. Last evaluated: 2023-09-12. Review status: criteria provided, single submitter. Criteria: Invitae Variant Classification Sherloc (09022015). Collection method: clinical testing. Allele origin: germline.

NM_000051.4(ATM):c.1636C>T (p.Leu546=)

Gene: ATM (ATM serine/threonine kinase; plus strand). Cytogenetic location: 11q22.3.
Variant type: single nucleotide variant.
Coding change: c.1636C>T on transcript NM_000051.4 (MANE Select); coding-DNA position 1636, C replaced by T.
Protein change: p.Leu546=; no amino-acid change (leucine 546 retained).
Molecular consequence: synonymous variant.
Genome position (GRCh38, 1-based): chr11:108,251,865, C>T. VCF-style: chr11-108251865-C-T. GRCh37 (hg19) VCF-style: chr11-108122592-C-T.
Other names: c.1636C>T, p.Leu546= (NM_001351834.2); c.1636C>T (NM_000051.3).
Identifiers: ClinVar variation 1134428 (VCV001134428.11), dbSNP rs2227924, ClinGen allele CA476672041.